The following is an entry in ClinVar:

ClinVar aggregate classification (germline): Uncertain significance. Review status: criteria provided, multiple submitters, no conflicts (2 of 4 stars). 2 submissions from 2 submitters: Uncertain significance (2). Last evaluated 2025-06-11.

Conditions:
Methylmalonic acidemia with homocystinuria, type cblX (MAHCX). Also called: INTELLECTUAL DEVELOPMENTAL DISORDER, X-LINKED 3. Identifiers: Orphanet 369962, MedGen C0796208, MONDO:0010657, OMIM 309541.

Allele frequency attached by ClinVar (database versions not stated): gnomAD 0.00001; ExAC 0.00003.
gnomAD v4.1: 8 of 1,209,807 alleles (0.00066%); highest among the groups gnomAD compares: East Asian, 0.0059%; no homozygotes.

Submissions (2):

GeneDx
Classification: Uncertain significance. Last evaluated: 2025-06-11. Review status: criteria provided, single submitter. Criteria: GeneDx Variant Classification Process June 2021. Collection method: clinical testing. Allele origin: germline.
Comment: Has not been previously published as pathogenic or benign to our knowledge; In silico analysis supports that this missense variant does not alter protein structure/function

Labcorp Genetics (formerly Invitae), Labcorp
Classification: Uncertain significance for Methylmalonic acidemia with homocystinuria, type cblX. Last evaluated: 2024-10-30. Review status: criteria provided, single submitter. Criteria: Invitae Variant Classification Sherloc (09022015). Collection method: clinical testing. Allele origin: germline.
Comment: This sequence change replaces glutamic acid, which is acidic and polar, with lysine, which is basic and polar, at codon 1113 of the HCFC1 protein (p.Glu1113Lys). This variant is present in population databases (rs782066012, gnomAD 0.005%). This variant has not been reported in the literature in individuals affected with HCFC1-related conditions. ClinVar contains an entry for this variant (Variation ID: 2997796). An algorithm developed to predict the effect of missense changes on protein structure and function (PolyPhen-2) suggests that this variant is likely to be disruptive. In summary, the available evidence is currently insufficient to determine the role of this variant in disease. Therefore, it has been classified as a Variant of Uncertain Significance.

NM_005334.3(HCFC1):c.3337G>A (p.Glu1113Lys)

Gene: HCFC1 (host cell factor C1; minus strand). Cytogenetic location: Xq28.
Variant type: single nucleotide variant.
Coding change: c.3337G>A on transcript NM_005334.3 (MANE Select); coding-DNA position 3337, G replaced by A.
Protein change: p.Glu1113Lys; replaces glutamic acid 1113 with lysine.
Molecular consequence: missense variant.
Genome position (GRCh38, 1-based): chrX:153,955,062, C>T on the plus strand (G>A on the coding strand, the complement: HCFC1 is on the minus strand). VCF-style: chrX-153955062-C-T. GRCh37 (hg19) VCF-style: chrX-153220513-C-T.
Other names: c.3337G>A (NM_005334.2); c.3337G>A, p.Glu1113Lys (NM_001410705.1); short protein forms E1113K.
Identifiers: ClinVar variation 2997796 (VCV002997796.5), dbSNP rs782066012, ClinGen allele CA10557205.